The following is an entry in ClinVar:

NM_001458.5(FLNC):c.1847T>A (p.Ile616Asn)

Gene: FLNC (filamin C; plus strand). Cytogenetic location: 7q32.1.
Variant type: single nucleotide variant.
Coding change: c.1847T>A on transcript NM_001458.5 (MANE Select); coding-DNA position 1847, T replaced by A.
Protein change: p.Ile616Asn; replaces isoleucine 616 with asparagine.
Molecular consequence: missense variant.
Genome position (GRCh38, 1-based): chr7:128,841,203, T>A. VCF-style: chr7-128841203-T-A. GRCh37 (hg19) VCF-style: chr7-128481257-T-A.
Other names: c.1847T>A, p.Ile616Asn (NM_001127487.2); short protein forms I616N.
Identifiers: ClinVar variation 2934043 (VCV002934043.3), dbSNP rs2536628187, ClinGen allele CA369227200.

ClinVar aggregate classification (germline): Uncertain significance (1 of 4 stars; one submission).

Conditions:
Myofibrillar myopathy 5. Also called: Filaminopathy (type); FILAMINOPATHY, AUTOSOMAL DOMINANT. Identifiers: Orphanet 171445, MedGen C1836050, MONDO:0012289, OMIM 609524.
Distal myopathy with posterior leg and anterior hand involvement. Also called: WILLIAMS DISTAL MYOPATHY. Identifiers: Orphanet 63273, MedGen C3279722, MONDO:0013550, OMIM 614065.
Hypertrophic cardiomyopathy 26. Also called: Cardiomyopathy, familial hypertrophic, 26. Identifiers: Orphanet 75249, MedGen C4310749, MONDO:0014883, OMIM 617047.

Submission:

Labcorp Genetics (formerly Invitae), Labcorp
Classification: Uncertain significance for Distal myopathy with posterior leg and anterior hand involvement; Myofibrillar myopathy 5; Hypertrophic cardiomyopathy 26. Last evaluated: 2024-10-10. Review status: criteria provided, single submitter. Criteria: Invitae Variant Classification Sherloc (09022015). Collection method: clinical testing. Allele origin: germline.
Comment: This sequence change replaces isoleucine, which is neutral and non-polar, with asparagine, which is neutral and polar, at codon 616 of the FLNC protein (p.Ile616Asn). This variant is not present in population databases (gnomAD no frequency). This variant has not been reported in the literature in individuals affected with FLNC-related conditions. Invitae Evidence Modeling of protein sequence and biophysical properties (such as structural, functional, and spatial information, amino acid conservation, physicochemical variation, residue mobility, and thermodynamic stability) has been performed for this missense variant. However, the output from this modeling did not meet the statistical confidence thresholds required to predict the impact of this variant on FLNC protein function. In summary, the available evidence is currently insufficient to determine the role of this variant in disease. Therefore, it has been classified as a Variant of Uncertain Significance.